The following is an entry in ClinVar:

NM_000288.4(PEX7):c.193G>A (p.Asp65Asn)

Gene: PEX7 (peroxisomal biogenesis factor 7; plus strand). Cytogenetic location: 6q23.3.
Variant type: single nucleotide variant.
Coding change: c.193G>A on transcript NM_000288.4 (MANE Select); coding-DNA position 193, G replaced by A.
Protein change: p.Asp65Asn; replaces aspartic acid 65 with asparagine.
Molecular consequence: missense variant.
Genome position (GRCh38, 1-based): chr6:136,826,323, G>A. VCF-style: chr6-136826323-G-A. GRCh37 (hg19) VCF-style: chr6-137147461-G-A.
Other names: c.193G>A (NM_000288.3); short protein forms D65N.
Identifiers: ClinVar variation 1041978 (VCV001041978.7), dbSNP rs1229970963, ClinGen allele CA365855718.

ClinVar aggregate classification (germline): Uncertain significance. Review status: criteria provided, multiple submitters, no conflicts (2 of 4 stars). 4 submissions from 4 submitters: Uncertain significance (3). 1 of the submissions does not count toward it. Last evaluated 2025-12-15.

Conditions:
Peroxisome biogenesis disorder 9B. Also called: PEROXISOME BIOGENESIS DISORDER, PEX7-RELATED, ATYPICAL; Refsum disease, adult, 2; PEX7-Related Refsum Disease. Identifiers: Orphanet 773, MedGen C2749346, MONDO:0013945, OMIM 614879.
Rhizomelic chondrodysplasia punctata (RCDP). Identifiers: Orphanet 177, MedGen C0282529, MONDO:0015776. Disease mechanism: loss of function.
Inborn genetic diseases. Identifiers: MedGen C0950123, MeSH D030342.

Allele frequency attached by ClinVar (database versions not stated): gnomAD 0.00001; gnomAD exomes 0.00001; TOPMed 0.00001.
gnomAD v4.1: 18 of 1,613,682 alleles (0.0011%); highest among the groups gnomAD compares: Non-Finnish European, 0.0011%; no homozygotes.

Submissions (4):

Ambry Genetics
Classification: Uncertain significance for Inborn genetic diseases. Last evaluated: 2025-12-15. Review status: criteria provided, single submitter. Criteria: Ambry Variant Classification Scheme 2023. Collection method: clinical testing. Allele origin: germline.

Labcorp Genetics (formerly Invitae), Labcorp
Classification: Uncertain significance for Peroxisome biogenesis disorder 9B. Last evaluated: 2022-10-04. Review status: criteria provided, single submitter. Criteria: Invitae Variant Classification Sherloc (09022015). Collection method: clinical testing. Allele origin: germline.
Comment: This sequence change replaces aspartic acid, which is acidic and polar, with asparagine, which is neutral and polar, at codon 65 of the PEX7 protein (p.Asp65Asn). This variant is present in population databases (no rsID available, gnomAD 0.003%). This variant has not been reported in the literature in individuals affected with PEX7-related conditions. ClinVar contains an entry for this variant (Variation ID: 1041978). Algorithms developed to predict the effect of missense changes on protein structure and function are either unavailable or do not agree on the potential impact of this missense change (SIFT: "Tolerated"; PolyPhen-2: "Possibly Damaging"; Align-GVGD: "Class C0"). In summary, the available evidence is currently insufficient to determine the role of this variant in disease. Therefore, it has been classified as a Variant of Uncertain Significance.

Breakthrough Genomics
Classification: Uncertain significance. Review status: criteria provided, single submitter. Criteria: ACMG Guidelines, 2015. Collection method: not provided. Allele origin: germline. Inheritance: Autosomal recessive inheritance. Affected: yes.

Natera, Inc.
Classification: Uncertain significance for Rhizomelic Chondrodysplasia Punctata. Last evaluated: 2020-04-30. Review status: no assertion criteria provided. Collection method: clinical testing. Allele origin: germline. Not counted in ClinVar's aggregate classification.